The following is an entry in ClinVar:

ClinVar aggregate classification (germline): Uncertain significance (1 of 4 stars; one submission).

Submission:

Labcorp Genetics (formerly Invitae), Labcorp
Classification: Uncertain significance. Last evaluated: 2024-12-20. Review status: criteria provided, single submitter. Criteria: Invitae Variant Classification Sherloc (09022015). Collection method: clinical testing. Allele origin: germline.
Comment: This variant, c.107_112del, results in the deletion of 2 amino acid(s) of the P3H2 protein (p.Leu36_Glu37del), but otherwise preserves the integrity of the reading frame. This variant is not present in population databases (gnomAD no frequency). This variant has not been reported in the literature in individuals affected with P3H2-related conditions. Experimental studies and prediction algorithms are not available or were not evaluated, and the functional significance of this variant is currently unknown. In summary, the available evidence is currently insufficient to determine the role of this variant in disease. Therefore, it has been classified as a Variant of Uncertain Significance.

NM_018192.4(P3H2):c.101TGGAGC[1] (p.34LE[1])

Gene: P3H2 (prolyl 3-hydroxylase 2; minus strand). Cytogenetic location: 3q28.
Variant type: Microsatellite.
Coding change: c.101TGGAGC[1] on transcript NM_018192.4 (MANE Select); one copy of the 6-base unit TGGAGC starting at c.101; the reference has two copies in a row; one copy, 6 bases deleted.
Protein change: p.34LE[1].
Molecular consequence: inframe deletion. On other transcripts: intron variant (1).
Genome position (GRCh38, 1-based): chr3:190,120,620-190,120,625, GCTCCA deleted on the plus strand (TGGAGC on the coding strand, the reverse complement: P3H2 is on the minus strand); deleting any 6 consecutive bases within chr3:190,120,620-190,120,636 gives the same sequence; the position shown is the placement nearest the transcript's 3' end. VCF-style (leftmost placement, unchanged base first): chr3-190120619-GGCTCCA-G. GRCh37 (hg19) VCF-style: chr3-189838408-GGCTCCA-G.
Other names: c.-64+1578_-64+1583del (NM_001134418.2).
Identifiers: ClinVar variation 3610758 (VCV003610758.2).